The following is an entry in ClinVar:

ClinVar aggregate classification (germline): Pathogenic (1 of 4 stars; one submission).

Conditions:
Primary ciliary dyskinesia. Also called: Ciliary dyskinesia. Identifiers: Orphanet 244, MedGen C0008780, MONDO:0016575, HP:0012265.

Submission:

Labcorp Genetics (formerly Invitae), Labcorp
Classification: Pathogenic for Primary ciliary dyskinesia. Last evaluated: 2023-04-26. Review status: criteria provided, single submitter. Criteria: Invitae Variant Classification Sherloc (09022015). Collection method: clinical testing. Allele origin: germline.
Comment: For these reasons, this variant has been classified as Pathogenic. This premature translational stop signal has been observed in individual(s) with retinitis pigmentosa (PMID: 32702353). This variant is not present in population databases (gnomAD no frequency). This sequence change creates a premature translational stop signal (p.Lys33*) in the RPGR gene. It is expected to result in an absent or disrupted protein product. Loss-of-function variants in RPGR are known to be pathogenic (PMID: 16055928, 16969763).

Literature cited by the submitters: PubMed 32702353; PubMed 16055928; PubMed 16969763.

NM_001034853.2(RPGR):c.97A>T (p.Lys33Ter)

Gene: RPGR (retinitis pigmentosa GTPase regulator; minus strand). Cytogenetic location: Xp11.4.
Variant type: single nucleotide variant.
Coding change: c.97A>T on transcript NM_001034853.2 (MANE Select); coding-DNA position 97, A replaced by T.
Protein change: p.Lys33Ter; replaces lysine 33 with a stop codon.
Molecular consequence: nonsense. On other transcripts: non-coding transcript variant (6).
Genome position (GRCh38, 1-based): chrX:38,323,456, T>A on the plus strand (A>T on the coding strand, the complement: RPGR is on the minus strand). VCF-style: chrX-38323456-T-A. GRCh37 (hg19) VCF-style: chrX-38182709-T-A.
Other names: c.97A>T, p.Lys33Ter (NM_000328.3, NM_001367245.1, NM_001367246.1 and 4 more transcripts); c.127A>T, p.Lys43Ter (NM_001367248.1); short protein forms K33*, K43*.
Identifiers: ClinVar variation 2859645 (VCV002859645.3), dbSNP rs2519912343, ClinGen allele CA412745897.